The following is an entry in ClinVar:

NM_000553.6(WRN):c.457A>G (p.Ile153Val)

Gene: WRN (WRN RecQ like helicase; plus strand). Cytogenetic location: 8p12.
Variant type: single nucleotide variant.
Coding change: c.457A>G on transcript NM_000553.6 (MANE Select); coding-DNA position 457, A replaced by G.
Protein change: p.Ile153Val; replaces isoleucine 153 with valine.
Molecular consequence: missense variant.
Genome position (GRCh38, 1-based): chr8:31,065,016, A>G. VCF-style: chr8-31065016-A-G. GRCh37 (hg19) VCF-style: chr8-30922532-A-G.
Other names: short protein forms I153V.
Identifiers: ClinVar variation 528113 (VCV000528113.6), dbSNP rs916722009, ClinGen allele CA174843031.
Genomic context (GRCh38, chr8:31,065,016, plus strand): 5'-GTTAAAAAGGCAGGTGTAGGAATTGAAGGAGATCAGTGGAAACTTCTACGTGACTTTGAT[A>G]TCAAATTGAAGAATTTTGTGGAGTTGACAGATGTTGCCAATAAAAAGGTAAAAGCAATAT-3'
Protein context (NP_000544.2, residues 143-163): DQWKLLRDFD[Ile153Val]KLKNFVELTD

ClinVar aggregate classification (germline): Uncertain significance (1 of 4 stars; one submission).

Conditions:
Werner syndrome (WRN). Identifiers: Orphanet 902, MedGen C0043119, MONDO:0010196, OMIM 277700.

Allele frequency attached by ClinVar (database versions not stated): gnomAD exomes below 0.00001; TOPMed below 0.00001; gnomAD 0.00001.
gnomAD v4.1: 5 of 1,613,606 alleles (0.00031%); highest among the groups gnomAD compares: Admixed American, 0.0017%; no homozygotes.

Submission:

Labcorp Genetics (formerly Invitae), Labcorp
Classification: Uncertain significance for Werner syndrome. Last evaluated: 2024-02-05. Review status: criteria provided, single submitter. Criteria: Invitae Variant Classification Sherloc (09022015). Collection method: clinical testing. Allele origin: germline.
Comment: This sequence change replaces isoleucine, which is neutral and non-polar, with valine, which is neutral and non-polar, at codon 153 of the WRN protein (p.Ile153Val). This variant is not present in population databases (gnomAD no frequency). This variant has not been reported in the literature in individuals affected with WRN-related conditions. ClinVar contains an entry for this variant (Variation ID: 528113). Algorithms developed to predict the effect of missense changes on protein structure and function output the following: SIFT: "Not Available"; PolyPhen-2: "Benign"; Align-GVGD: "Not Available". The valine amino acid residue is found in multiple mammalian species, which suggests that this missense change does not adversely affect protein function. In summary, the available evidence is currently insufficient to determine the role of this variant in disease. Therefore, it has been classified as a Variant of Uncertain Significance.